The following is an entry in ClinVar:

NM_006063.3(KLHL41):c.1457C>T (p.Ser486Phe)

Gene: KLHL41 (kelch like family member 41; plus strand). Cytogenetic location: 2q31.1.
Variant type: single nucleotide variant.
Coding change: c.1457C>T on transcript NM_006063.3 (MANE Select); coding-DNA position 1457, C replaced by T.
Protein change: p.Ser486Phe; replaces serine 486 with phenylalanine.
Molecular consequence: missense variant.
Genome position (GRCh38, 1-based): chr2:169,518,270, C>T. VCF-style: chr2-169518270-C-T. GRCh37 (hg19) VCF-style: chr2-170374780-C-T.
Other names: short protein forms S486F.
Identifiers: ClinVar variation 653932 (VCV000653932.9), dbSNP rs373391330, ClinGen allele CA1956688.

ClinVar aggregate classification (germline): Uncertain significance. Review status: criteria provided, multiple submitters, no conflicts (2 of 4 stars). 2 submissions from 2 submitters: Uncertain significance (2). Last evaluated 2022-09-06.

Conditions:
Inborn genetic diseases. Identifiers: MedGen C0950123, MeSH D030342.
Nemaline myopathy 9 (NEM9). Identifiers: MedGen C3810384, MONDO:0014326, OMIM 615731.

Allele frequency attached by ClinVar (database versions not stated): gnomAD exomes 0.00003 and 0.00011; ExAC 0.00010; ESP Exome Variant Server 0.00015; 1000 Genomes Project 0.00020; 1000 Genomes Project 30x 0.00031; TOPMed 0.00038; gnomAD 0.00040 and 0.00042.
gnomAD v4.1: 114 of 1,613,942 alleles (0.0071%); highest among the groups gnomAD compares: African/African-American, 0.13%; no homozygotes.

Submissions (2):

Labcorp Genetics (formerly Invitae), Labcorp
Classification: Uncertain significance for Nemaline myopathy 9. Last evaluated: 2022-09-06. Review status: criteria provided, single submitter. Criteria: Invitae Variant Classification Sherloc (09022015). Collection method: clinical testing. Allele origin: germline.
Comment: This sequence change replaces serine, which is neutral and polar, with phenylalanine, which is neutral and non-polar, at codon 486 of the KLHL41 protein (p.Ser486Phe). This variant is present in population databases (rs373391330, gnomAD 0.1%). This variant has not been reported in the literature in individuals affected with KLHL41-related conditions. ClinVar contains an entry for this variant (Variation ID: 653932). Algorithms developed to predict the effect of missense changes on protein structure and function (SIFT, PolyPhen-2, Align-GVGD) all suggest that this variant is likely to be disruptive. In summary, the available evidence is currently insufficient to determine the role of this variant in disease. Therefore, it has been classified as a Variant of Uncertain Significance.

Ambry Genetics
Classification: Uncertain significance for Inborn genetic diseases. Last evaluated: 2021-08-09. Review status: criteria provided, single submitter. Criteria: Ambry Variant Classification Scheme 2023. Collection method: clinical testing. Allele origin: germline.